The following is an entry in ClinVar:

ClinVar aggregate classification (germline): Likely benign. Review status: reviewed by expert panel (3 of 4 stars). 3 submissions from 3 submitters: Likely benign (1). 2 of the submissions do not count toward it. Last evaluated 2017-06-29.

Conditions:
Hereditary cancer-predisposing syndrome. Also called: Hereditary neoplastic syndrome; Hereditary Cancer Syndrome; Neoplastic Syndromes, Hereditary; Tumor predisposition. Identifiers: Orphanet 140162, MedGen C0027672, MeSH D009386, MONDO:0015356.
Breast-ovarian cancer, familial, susceptibility to, 2 (BROVCA2). Also called: BRCA2 Hereditary Breast and Ovarian Cancer. Identifiers: Orphanet 145, MedGen C2675520, MONDO:0012933, OMIM 612555. Disease mechanism: loss of function.
Hereditary breast ovarian cancer syndrome. Also called: Hereditary breast and ovarian cancer syndrome; BRCA1- and BRCA2-Associated Hereditary Breast and Ovarian Cancer; Hereditary breast and/or ovarian cancer syndrome; Hereditary breast and ovarian cancer; Breast and ovarian cancer; Hereditary breast and ovarian cancer syndrome (HBOC). Identifiers: Orphanet 145, MedGen C0677776, MeSH D061325, MONDO:0003582. Disease mechanism: loss of function.

Submissions (3):

Evidence-based Network for the Interpretation of Germline Mutant Alleles (ENIGMA)
Classification: Likely benign for Breast-ovarian cancer, familial, susceptibility to, 2. Last evaluated: 2017-06-29. Review status: reviewed by expert panel. Criteria: ENIGMA BRCA1/2 Classification Criteria (2017-06-29). Collection method: curation. Allele origin: germline.
Comment: Synonymous substitution variant, with low bioinformatic likelihood to result in a splicing aberration (Splicing prior probability 0.02).

Labcorp Genetics (formerly Invitae), Labcorp
Classification: Likely benign for Hereditary breast ovarian cancer syndrome. Last evaluated: 2024-11-21. Review status: criteria provided, single submitter. Criteria: Invitae Variant Classification Sherloc (09022015). Collection method: clinical testing. Allele origin: germline. Not counted in ClinVar's aggregate classification.

Color Diagnostics, LLC DBA Color Health
Classification: Likely benign for Hereditary cancer-predisposing syndrome. Last evaluated: 2019-08-13. Review status: criteria provided, single submitter. Criteria: ACMG Guidelines, 2015. Collection method: clinical testing. Allele origin: germline. Not counted in ClinVar's aggregate classification.

NM_000059.4(BRCA2):c.9711G>A (p.Arg3237=)

Gene: BRCA2 (BRCA2 DNA repair associated; plus strand). Cytogenetic location: 13q13.1.
Variant type: single nucleotide variant.
Coding change: c.9711G>A on transcript NM_000059.4 (MANE Select); coding-DNA position 9711, G replaced by A.
Protein change: p.Arg3237=; no amino-acid change (arginine 3237 retained).
Molecular consequence: synonymous variant.
Genome position (GRCh38, 1-based): chr13:32,398,224, G>A. VCF-style: chr13-32398224-G-A. GRCh37 (hg19) VCF-style: chr13-32972361-G-A.
Identifiers: ClinVar variation 427366 (VCV000427366.14), dbSNP rs1131692101, ClinGen allele CA483439931.